The following is an entry in ClinVar:

ClinVar aggregate classification (germline): Uncertain significance. Review status: criteria provided, multiple submitters, no conflicts (2 of 4 stars). 2 submissions from 2 submitters: Uncertain significance (2). Last evaluated 2022-01-18.

Conditions:
Xanthinuria type II. Also called: Xanthine dehydrogenase and aldehyde oxidase combined deficiency of; XDH and AOX dual deficiency. Identifiers: Orphanet 3467, Orphanet 93602, MedGen C1863688, MONDO:0011346, OMIM 603592.
Hereditary xanthinuria type 1 (XAN1). Identifiers: Orphanet 3467, Orphanet 93601, MedGen C0268118, MONDO:0010209, OMIM 278300.

Allele frequency attached by ClinVar (database versions not stated): TOPMed 0.00001.

Submissions (2):

Labcorp Genetics (formerly Invitae), Labcorp
Classification: Uncertain significance for Xanthinuria type II. Last evaluated: 2022-01-18. Review status: criteria provided, single submitter. Criteria: Invitae Variant Classification Sherloc (09022015). Collection method: clinical testing. Allele origin: germline.
Comment: In summary, the available evidence is currently insufficient to determine the role of this variant in disease. Therefore, it has been classified as a Variant of Uncertain Significance. Algorithms developed to predict the effect of missense changes on protein structure and function (SIFT, PolyPhen-2, Align-GVGD) all suggest that this variant is likely to be disruptive. ClinVar contains an entry for this variant (Variation ID: 895512). This variant has not been reported in the literature in individuals affected with XDH-related conditions. This variant is not present in population databases (gnomAD no frequency). This sequence change replaces asparagine, which is neutral and polar, with histidine, which is basic and polar, at codon 1188 of the XDH protein (p.Asn1188His).

Illumina Laboratory Services, Illumina
Classification: Uncertain significance for Hereditary xanthinuria type 1. Last evaluated: 2018-01-13. Review status: criteria provided, single submitter. Criteria: ICSL Variant Classification Criteria 13 December 2019. Collection method: clinical testing. Allele origin: germline.

NM_000379.4(XDH):c.3562A>C (p.Asn1188His)

Gene: XDH (xanthine dehydrogenase; minus strand). Cytogenetic location: 2p23.1.
Variant type: single nucleotide variant.
Coding change: c.3562A>C on transcript NM_000379.4 (MANE Select); coding-DNA position 3562, A replaced by C.
Protein change: p.Asn1188His; replaces asparagine 1188 with histidine.
Molecular consequence: missense variant.
Genome position (GRCh38, 1-based): chr2:31,341,352, T>G on the plus strand (A>C on the coding strand, the complement: XDH is on the minus strand). VCF-style: chr2-31341352-T-G. GRCh37 (hg19) VCF-style: chr2-31564218-T-G.
Other names: short protein forms N1188H.
Identifiers: ClinVar variation 895512 (VCV000895512.10), dbSNP rs1685119218, ClinGen allele CA346495804.
Genomic context (GRCh38, chr2:31,341,352, plus strand): 5'-CCAAGTCTGTCACCACCCTGGTCCCACTGAGCCTCACCTGTCCAATATCAATGGCAGGGT[T>G]TAGACTGGAGCCAACATCCATGACAATATCTGTGCGGAGGTTCTAGAGTAGACAGCAAAA-3'
Protein context (NP_000370.2, residues 1178-1198): DIVMDVGSSL[Asn1188His]PAIDIGQVEG